The following is an entry in ClinVar:

NM_001855.5(COL15A1):c.3444G>A (p.Ala1148=)

Gene: COL15A1 (collagen type XV alpha 1 chain; plus strand). Cytogenetic location: 9q22.33.
Variant type: single nucleotide variant.
Coding change: c.3444G>A on transcript NM_001855.5 (MANE Select); coding-DNA position 3444, G replaced by A.
Protein change: p.Ala1148=; no amino-acid change (alanine 1148 retained).
Molecular consequence: synonymous variant.
Genome position (GRCh38, 1-based): chr9:99,062,012, G>A. VCF-style: chr9-99062012-G-A. GRCh37 (hg19) VCF-style: chr9-101824294-G-A.
Identifiers: ClinVar variation 3045360 (VCV003045360.2), dbSNP rs146027381, ClinGen allele CA5155869.

ClinVar aggregate classification (germline): Likely benign (0 of 4 stars; one submission).

Conditions:
COL15A1-related disorder. Also called: COL15A1-related condition.

Allele frequency attached by ClinVar (database versions not stated): gnomAD 0.00025; TOPMed 0.00025; ESP Exome Variant Server 0.00038.
gnomAD v4.1: 244 of 1,613,976 alleles (0.015%); highest among the groups gnomAD compares: South Asian, 0.15%; 1 homozygote.

Submission:

PreventionGenetics, part of Exact Sciences
Classification: Likely benign for COL15A1-related condition. Last evaluated: 2019-12-23. Review status: no assertion criteria provided. Collection method: clinical testing. Allele origin: germline.
Comment: This variant is classified as likely benign based on ACMG/AMP sequence variant interpretation guidelines (Richards et al. 2015 PMID: 25741868, with internal and published modifications).